The following is an entry in ClinVar:

ClinVar aggregate classification (germline): Uncertain significance. Review status: criteria provided, multiple submitters, no conflicts (2 of 4 stars). 2 submissions from 2 submitters: Uncertain significance (2). Last evaluated 2024-01-25.

Conditions:
Cardiovascular phenotype. Identifiers: MedGen CN230736.
Hereditary cancer-predisposing syndrome. Also called: Neoplastic Syndromes, Hereditary; Tumor predisposition; Hereditary Cancer Syndrome; Hereditary neoplastic syndrome. Identifiers: Orphanet 140162, MedGen C0027672, MeSH D009386, MONDO:0015356.
Neurofibromatosis, type 1 (NF1). Also called: VON RECKLINGHAUSEN DISEASE; NEUROFIBROMATOSIS, TYPE I, SOMATIC; Neurofibromatosis, type I; Peripheral type neurofibromatosis. Identifiers: Orphanet 636, MedGen C0027831, MONDO:0018975, OMIM 162200. Disease mechanism: loss of function.

Submissions (2):

Labcorp Genetics (formerly Invitae), Labcorp
Classification: Uncertain significance for Neurofibromatosis, type 1. Last evaluated: 2024-01-25. Review status: criteria provided, single submitter. Criteria: Invitae Variant Classification Sherloc (09022015). Collection method: clinical testing. Allele origin: germline.
Comment: This sequence change replaces glutamic acid, which is acidic and polar, with lysine, which is basic and polar, at codon 163 of the NF1 protein (p.Glu163Lys). This variant is not present in population databases (gnomAD no frequency). This variant has not been reported in the literature in individuals affected with NF1-related conditions. ClinVar contains an entry for this variant (Variation ID: 1743775). Advanced modeling of protein sequence and biophysical properties (such as structural, functional, and spatial information, amino acid conservation, physicochemical variation, residue mobility, and thermodynamic stability) performed at Invitae indicates that this missense variant is expected to disrupt NF1 protein function with a positive predictive value of 95%. In summary, the available evidence is currently insufficient to determine the role of this variant in disease. Therefore, it has been classified as a Variant of Uncertain Significance.

Ambry Genetics
Classification: Uncertain significance for Cardiovascular phenotype; Hereditary cancer-predisposing syndrome. Last evaluated: 2021-11-03. Review status: criteria provided, single submitter. Criteria: Ambry Variant Classification Scheme 2023. Collection method: clinical testing. Allele origin: germline.
Comment: The p.E163K variant (also known as c.487G>A), located in coding exon 5 of the NF1 gene, results from a G to A substitution at nucleotide position 487. The glutamic acid at codon 163 is replaced by lysine, an amino acid with similar properties. This amino acid position is highly conserved in available vertebrate species. In addition, this alteration is predicted to be deleterious by in silico analysis. Since supporting evidence is limited at this time, the clinical significance of this alteration remains unclear.

NM_001042492.3(NF1):c.487G>A (p.Glu163Lys)

Gene: NF1 (neurofibromin 1; plus strand). Cytogenetic location: 17q11.2.
Variant type: single nucleotide variant.
Coding change: c.487G>A on transcript NM_001042492.3 (MANE Select); coding-DNA position 487, G replaced by A.
Protein change: p.Glu163Lys; replaces glutamic acid 163 with lysine.
Molecular consequence: missense variant.
Genome position (GRCh38, 1-based): chr17:31,169,898, G>A. VCF-style: chr17-31169898-G-A. GRCh37 (hg19) VCF-style: chr17-29496916-G-A.
Other names: c.487G>A, p.Glu163Lys (NM_000267.4, NM_001128147.3); short protein forms E163K.
Identifiers: ClinVar variation 1743775 (VCV001743775.5), dbSNP rs2065903080, ClinGen allele CA398984703.
Genomic context (GRCh38, chr17:31,169,898, plus strand): 5'-ACCTGTCCCCTAATACTTAATTTGATAAGTTAATTTTGGTTTTTACTTTTTAGGTTACAG[G>A]AATTAACTGTTTGTTCAGAAGACAATGTTGATGTTCATGATATAGAATTGTTACAGTATA-3'
Protein context (NP_001035957.1, residues 153-173): VFSRISTRLQ[Glu163Lys]LTVCSEDNVD